The following is an entry in ClinVar:

NM_198407.2(GHSR):c.*114A>G

Gene: GHSR (growth hormone secretagogue receptor; minus strand). Cytogenetic location: 3q26.31.
Variant type: single nucleotide variant.
Coding change: c.*114A>G on transcript NM_198407.2 (MANE Select); 114 bases downstream of the stop codon, A replaced by G.
Molecular consequence: 3 prime UTR variant.
Genome position (GRCh38, 1-based): chr3:172,445,047, T>C on the plus strand (A>G on the coding strand, the complement: GHSR is on the minus strand). VCF-style: chr3-172445047-T-C. GRCh37 (hg19) VCF-style: chr3-172162837-T-C.
Identifiers: ClinVar variation 344197 (VCV000344197.8), dbSNP rs477251, ClinGen allele CA10617731.

ClinVar aggregate classification (germline): Benign. Review status: criteria provided, multiple submitters, no conflicts (2 of 4 stars). 3 submissions from 3 submitters: Benign (3). Last evaluated 2018-11-12.

Conditions:
Short stature due to growth hormone secretagogue receptor deficiency (GHDP). Also called: Short stature due to GHSR deficiency. Identifiers: Orphanet 314811, MedGen C5887324, MONDO:0014403, OMIM 615925.

Allele frequency attached by ClinVar (database versions not stated): TOPMed 0.80651; 1000 Genomes Project 30x 0.81636; 1000 Genomes Project 0.81909; gnomAD exomes 0.85673.
gnomAD v4.1: 990,733 of 1,164,258 alleles (85%); highest among the groups gnomAD compares: East Asian, 100%; 423,491 homozygotes.

Submissions (3):

GeneDx
Classification: Benign. Last evaluated: 2018-11-12. Review status: criteria provided, single submitter. Criteria: GeneDx Variant Classification Process June 2021. Collection method: clinical testing. Allele origin: germline. Affected: yes.

Illumina Laboratory Services, Illumina
Classification: Benign for Short stature due to growth hormone secretagogue receptor deficiency. Last evaluated: 2018-01-13. Review status: criteria provided, single submitter. Criteria: ICSL Variant Classification Criteria 13 December 2019. Collection method: clinical testing. Allele origin: germline.
Comment: This variant was observed in the ICSL laboratory as part of a predisposition screen in an ostensibly healthy population. It had not been previously curated by ICSL or reported in the Human Gene Mutation Database (HGMD: prior to June 1st, 2018), and was therefore a candidate for classification through an automated scoring system. Utilizing variant allele frequency, disease prevalence and penetrance estimates, and inheritance mode, an automated score was calculated to assess if this variant is too frequent to cause the disease. Based on the score and internal cut-off values, a variant classified as benign is not then subjected to further curation. The score for this variant resulted in a classification of benign for this disease.

Breakthrough Genomics
Classification: Benign. Review status: criteria provided, single submitter. Criteria: ACMG Guidelines, 2015. Collection method: not provided. Allele origin: germline. Inheritance: Autosomal dominant inheritance. Affected: yes.